The following is an entry in ClinVar:

NM_001369.3(DNAH5):c.277G>A (p.Gly93Arg)

Gene: DNAH5 (dynein axonemal heavy chain 5; minus strand). Cytogenetic location: 5p15.2.
Variant type: single nucleotide variant.
Coding change: c.277G>A on transcript NM_001369.3 (MANE Select); coding-DNA position 277, G replaced by A.
Protein change: p.Gly93Arg; replaces glycine 93 with arginine.
Molecular consequence: missense variant.
Genome position (GRCh38, 1-based): chr5:13,928,094, C>T on the plus strand (G>A on the coding strand, the complement: DNAH5 is on the minus strand). VCF-style: chr5-13928094-C-T. GRCh37 (hg19) VCF-style: chr5-13928203-C-T.
Other names: short protein forms G93R.
Identifiers: ClinVar variation 977581 (VCV000977581.7), dbSNP rs1428534050, ClinGen allele CA359226469.
Genomic context (GRCh38, chr5:13,928,094, plus strand): 5'-GCTACCCTCAGATAAATCTAATAACACATTTCTGGGTTATGTCACATCAAATTCAGATAC[C>T]TGTTTCTGCTTCCTCCACATCTTGATAGTAAAACATGAGGTGTCGGAGACCTCCAACAGC-3'
Protein context (NP_001360.1, residues 83-103): YYQDVEEAET[Gly93Arg]QLGSLGGVNL

ClinVar aggregate classification (germline): Conflicting classifications of pathogenicity. Review status: criteria provided, conflicting classifications (1 of 4 stars). 3 submissions from 3 submitters: Pathogenic (1); Uncertain significance (2). Last evaluated 2020-03-31.

Conditions:
Primary ciliary dyskinesia. Also called: Ciliary dyskinesia. Identifiers: Orphanet 244, MedGen C0008780, MONDO:0016575, HP:0012265.

Allele frequency attached by ClinVar (database versions not stated): gnomAD 0.00001; TOPMed 0.00001.

Submissions (3):

Ambry Genetics
Classification: Pathogenic for Primary ciliary dyskinesia. Last evaluated: 2020-03-31. Review status: criteria provided, single submitter. Criteria: Ambry Variant Classification Scheme 2023. Collection method: clinical testing. Allele origin: germline.
Comment: The alteration results in an amino acid change:_x000D_ _x000D_ The c.277G>A (p.G93R) alteration is located in coding exon 3 of the DNAH5 gene. This change occurs in the last base pair of coding exon 3, which makes it likely to have some effect on normal mRNA splicing. In addition to potential splicing impact, this alteration causes the glycine (G) at amino acid position 93 to be replaced by an arginine (R). The alteration is rare in population databases: _x000D_ _x000D_ Based on data from the Genome Aggregation Database (gnomAD), the c.277G>A alteration was observed in 0.0064% (2/31,406) of total alleles studied, with a frequency of 0.023% (2/8,718) in the African subpopulation. No homozygotes were reported in gnomAD. The altered nucleotide is conserved throughout evolution:_x000D_ _x000D_ The c.277G nucleotide is conserved in available vertebrate species._x000D_ _x000D_ The altered amino acid is not conserved throughout evolution:_x000D_ _x000D_ The p.G93 amino acid is not conserved in available vertebrate species. In silico predictions are deleterious:_x000D_ _x000D_ The c.277G>A alteration is predicted to weaken the neighboring native splice donor site based on the BDGP and ESEfinder splice site tools; however, direct evidence is unavailable. The p.G93R alteration is predicted to be tolerated by BayesDel in silico analysis. Based on the available evidence, this alteration is classified as pathogenic.

UNC Molecular Genetics  Laboratory, University of North Carolina at Chapel Hill
Classification: Uncertain significance for Primary ciliary dyskinesia. Last evaluated: 2018-07-30. Review status: criteria provided, single submitter. Criteria: ACMG Guidelines, 2015. Collection method: clinical testing. Allele origin: germline. Observed: 1 compound heterozygote.

Labcorp Genetics (formerly Invitae), Labcorp
Classification: Uncertain significance for Primary ciliary dyskinesia. Last evaluated: 2016-11-01. Review status: criteria provided, single submitter. Criteria: Invitae Variant Classification Sherloc (09022015). Collection method: clinical testing. Allele origin: germline.
Comment: This sequence change replaces glycine with arginine at codon 93 of the DNAH5 protein (p.Gly93Arg). The glycine residue is highly conserved and there is a moderate physicochemical difference between glycine and arginine. It also falls at the last nucleotide of exon 3 of the DNAH5 coding sequence. This variant is not present in population databases (ExAC no frequency) and has not been reported in the literature in individuals with a DNAH5-related disease. Algorithms developed to predict the effect of missense changes on protein structure and function do not agree on the potential impact of this missense change (SIFT: "Deleterious"; PolyPhen-2: "Possibly Damaging"; Align-GVGD: "Class C0"). Nucleotide substitutions within the consensus splice site are relatively common causes of aberrant splicing (PMID: 17576681, 9536098). Algorithms developed to predict the effect of nucleotide changes on RNA splicing suggest that this variant may alter RNA splicing, but this prediction has not been confirmed by published transcriptional studies. In summary, this variant is a novel missense change with uncertain impact on protein function. It has been classified as a Variant of Uncertain Significance.

Literature cited by the submitters: PubMed 17576681 (cited by Labcorp Genetics (formerly Invitae), Labcorp); PubMed 9536098 (cited by Labcorp Genetics (formerly Invitae), Labcorp).